The following is an entry in ClinVar:

NM_002350.4(LYN):c.133-4G>A

Gene: LYN (LYN proto-oncogene, Src family tyrosine kinase; plus strand). Cytogenetic location: 8q12.1.
Variant type: single nucleotide variant.
Coding change: c.133-4G>A on transcript NM_002350.4 (MANE Select); 4 bases into the intron before coding-DNA position 133, G replaced by A.
Molecular consequence: intron variant.
Genome position (GRCh38, 1-based): chr8:55,946,444, G>A. VCF-style: chr8-55946444-G-A. GRCh37 (hg19) VCF-style: chr8-56859003-G-A.
Other names: c.70-4G>A (NM_001111097.3).
Identifiers: ClinVar variation 2177577 (VCV002177577.28), dbSNP rs774195758, ClinGen allele CA4753921.

ClinVar aggregate classification (germline): Conflicting classifications of pathogenicity. Review status: criteria provided, conflicting classifications (1 of 4 stars). 2 submissions from 2 submitters: Uncertain significance (1); Likely benign (1). Last evaluated 2025-12-01.

Allele frequency attached by ClinVar (database versions not stated): gnomAD 0.00001; TOPMed 0.00002; ExAC 0.00006.
gnomAD v4.1: 52 of 1,600,102 alleles (0.0032%); highest among the groups gnomAD compares: South Asian, 0.035%; no homozygotes.

Submissions (2):

Labcorp Genetics (formerly Invitae), Labcorp
Classification: Likely benign. Last evaluated: 2025-12-01. Review status: criteria provided, single submitter. Criteria: Invitae Variant Classification Sherloc (09022015). Collection method: clinical testing. Allele origin: germline.

CeGaT Center for Human Genetics Tuebingen
Classification: Uncertain significance. Last evaluated: 2022-11-01. Review status: criteria provided, single submitter. Criteria: CeGaT Center For Human Genetics Tuebingen Variant Classification Criteria Version 2. Collection method: clinical testing. Allele origin: germline. Affected: yes. Observed: 1 variant allele.
Comment: LYN: PM2:Supporting, BP4